The following is an entry in ClinVar:

ClinVar aggregate classification (germline): Likely pathogenic (1 of 4 stars; one submission).

Conditions:
Osteoporosis, childhood- or juvenile-onset, with developmental delay. Identifiers: MedGen C5676992, MONDO:0859253, OMIM 619884.

Submission:

3billion
Classification: Likely pathogenic for Osteoporosis, childhood- or juvenile-onset, with developmental delay. Last evaluated: 2024-08-27. Review status: criteria provided, single submitter. Criteria: ACMG Guidelines, 2015. Collection method: clinical testing. Allele origin: germline. Affected: yes.
Comment: The variant is not observed in the gnomAD v4.0.0 dataset. Predicted Consequence/Location: Canonical splice site: predicted to alter splicing and result in a loss or disruption of normal protein function. In silico tools predict the variant to alter splicing and produce an abnormal transcript [SpliceAI: 0.84 (spliceogenicity >=0.2, non-spliceogenicity <0.1)]. Therefore, this variant is classified as Likely pathogenic according to the recommendation of ACMG/AMP guideline.

NM_004766.3(COPB2):c.1401+2T>A

Gene: COPB2 (coat protein complex I subunit beta 2; minus strand). Cytogenetic location: 3q23.
Variant type: single nucleotide variant.
Coding change: c.1401+2T>A on transcript NM_004766.3 (MANE Select); the canonical splice donor site of the intron after coding-DNA position 1401, T replaced by A.
Molecular consequence: splice donor variant.
Genome position (GRCh38, 1-based): chr3:139,369,259, A>T on the plus strand (T>A on the coding strand, the complement: COPB2 is on the minus strand). VCF-style: chr3-139369259-A-T. GRCh37 (hg19) VCF-style: chr3-139088101-A-T.
Other names: c.1314+2T>A (NM_001410834.1).
Identifiers: ClinVar variation 4293146 (VCV004293146.1).